The following is an entry in ClinVar:

NM_021252.5(RAB18):c.*254A>G

Gene: RAB18 (RAB18, member RAS oncogene family; plus strand). Cytogenetic location: 10p12.1.
Variant type: single nucleotide variant.
Coding change: c.*254A>G on transcript NM_021252.5 (MANE Select); 254 bases downstream of the stop codon, A replaced by G.
Molecular consequence: 3 prime UTR variant. On other transcripts: non-coding transcript variant (1).
Genome position (GRCh38, 1-based): chr10:27,538,305, A>G. VCF-style: chr10-27538305-A-G. GRCh37 (hg19) VCF-style: chr10-27827234-A-G.
Other names: c.*254A>G (NM_001256410.2, NM_001256412.2); c.*214A>G (NM_001256411.2).
Identifiers: ClinVar variation 299825 (VCV000299825.5), dbSNP rs75899834, ClinGen allele CA5452458.

ClinVar aggregate classification (germline): Likely benign (1 of 4 stars; one submission).

Conditions:
Warburg micro syndrome 3 (WARBM3). Also called: MICRO SYNDROME 3. Identifiers: Orphanet 2510, MedGen C3280203, MONDO:0013638, OMIM 614222.

Allele frequency attached by ClinVar (database versions not stated): gnomAD exomes 0.00056 and 0.00074; gnomAD 0.00147 and 0.00158; 1000 Genomes Project 30x 0.00156; ExAC 0.00167; 1000 Genomes Project 0.00180; TOPMed 0.00186.
gnomAD v4.1: 474 of 592,130 alleles (0.08%); highest among the groups gnomAD compares: African/African-American, 0.47%; 3 homozygotes.

Submission:

Illumina Laboratory Services, Illumina
Classification: Likely benign for Warburg micro syndrome 3. Last evaluated: 2018-01-13. Review status: criteria provided, single submitter. Criteria: ICSL Variant Classification Criteria 13 December 2019. Collection method: clinical testing. Allele origin: germline.
Comment: This variant was observed in the ICSL laboratory as part of a predisposition screen in an ostensibly healthy population. It had not been previously curated by ICSL or reported in the Human Gene Mutation Database (HGMD: prior to June 1st, 2018), and was therefore a candidate for classification through an automated scoring system. Utilizing variant allele frequency, disease prevalence and penetrance estimates, and inheritance mode, an automated score was calculated to assess if this variant is too frequent to cause the disease. Based on the score and internal cut-off values, a variant classified as likely benign is not then subjected to further curation. The score for this variant resulted in a classification of likely benign for this disease.